The following is an entry in ClinVar:

NM_000093.5(COL5A1):c.528T>C (p.Asn176=)

Gene: COL5A1 (collagen type V alpha 1 chain; plus strand). Cytogenetic location: 9q34.3.
Variant type: single nucleotide variant.
Coding change: c.528T>C on transcript NM_000093.5 (MANE Select); coding-DNA position 528, T replaced by C.
Protein change: p.Asn176=; no amino-acid change (asparagine 176 retained).
Molecular consequence: synonymous variant.
Genome position (GRCh38, 1-based): chr9:134,701,207, T>C. VCF-style: chr9-134701207-T-C. GRCh37 (hg19) VCF-style: chr9-137593053-T-C.
Other names: c.528T>C, p.Asn176= (NM_001278074.1).
Identifiers: ClinVar variation 237007 (VCV000237007.13), dbSNP rs769674770, ClinGen allele CA5318343.

ClinVar aggregate classification (germline): Likely benign. Review status: criteria provided, multiple submitters, no conflicts (2 of 4 stars). 4 submissions from 4 submitters: Likely benign (4). Last evaluated 2025-12-29.

Conditions:
Familial thoracic aortic aneurysm and aortic dissection (TAAD). Also called: Thoracic aortic aneurysms and dissections. Identifiers: Orphanet 91387, MedGen C4707243, MONDO:0019625.
Ehlers-Danlos syndrome, classic type, 1 (EDSCL1). Also called: Ehlers-Danlos syndrome, type 1; Ehlers-Danlos Syndrome, Classic Type, COL5A1-Related; EDS I; EHLERS-DANLOS SYNDROME, GRAVIS TYPE; EHLERS-DANLOS SYNDROME, SEVERE CLASSIC TYPE. Identifiers: MedGen C0268335, MONDO:0019567, OMIM 130000.

Allele frequency attached by ClinVar (database versions not stated): gnomAD exomes 0.00001 and 0.00002; TOPMed 0.00002; ExAC 0.00005.
gnomAD v4.1: 9 of 1,613,920 alleles (0.00056%); highest among the groups gnomAD compares: Non-Finnish European, 0.00076%; no homozygotes.

Submissions (4):

Labcorp Genetics (formerly Invitae), Labcorp
Classification: Likely benign for Ehlers-Danlos syndrome, classic type, 1. Last evaluated: 2025-12-29. Review status: criteria provided, single submitter. Criteria: Invitae Variant Classification Sherloc (09022015). Collection method: clinical testing. Allele origin: germline.

Blueprint Genetics
Classification: Likely benign. Last evaluated: 2023-02-15. Review status: criteria provided, single submitter. Criteria: ACMG Guidelines, 2015. Collection method: clinical testing. Allele origin: germline.

Ambry Genetics
Classification: Likely benign for Familial thoracic aortic aneurysm and aortic dissection. Last evaluated: 2022-01-24. Review status: criteria provided, single submitter. Criteria: Ambry Variant Classification Scheme 2023. Collection method: clinical testing. Allele origin: germline.

GeneDx
Classification: Likely benign. Last evaluated: 2017-12-06. Review status: criteria provided, single submitter. Criteria: GeneDx Variant Classification (06012015). Collection method: clinical testing. Allele origin: germline. Affected: yes.
Comment: This variant is considered likely benign or benign based on one or more of the following criteria: it is a conservative change, it occurs at a poorly conserved position in the protein, it is predicted to be benign by multiple in silico algorithms, and/or has population frequency not consistent with disease.